The following is an entry in ClinVar:

NM_006767.4(LZTR1):c.1616-11C>G

Gene: LZTR1 (leucine zipper like post translational regulator 1; plus strand). Cytogenetic location: 22q11.21.
Variant type: single nucleotide variant.
Coding change: c.1616-11C>G on transcript NM_006767.4 (MANE Select); 11 bases into the intron before coding-DNA position 1616, C replaced by G.
Molecular consequence: intron variant.
Genome position (GRCh38, 1-based): chr22:20,994,547, C>G. VCF-style: chr22-20994547-C-G. GRCh37 (hg19) VCF-style: chr22-21348836-C-G.
Identifiers: ClinVar variation 932175 (VCV000932175.2), dbSNP rs767886246, ClinGen allele CA10118997.

ClinVar aggregate classification (germline): Conflicting classifications of pathogenicity. Review status: criteria provided, conflicting classifications (1 of 4 stars). 2 submissions from 2 submitters: Uncertain significance (1); Likely benign (1). Last evaluated 2025-06-18.

Allele frequency attached by ClinVar (database versions not stated): gnomAD exomes below 0.00001 and 0.00001; ExAC 0.00001.
gnomAD v4.1: 2 of 1,606,300 alleles (0.00012%); highest among the groups gnomAD compares: South Asian, 0.0011%; no homozygotes.

Submissions (2):

Labcorp Genetics (formerly Invitae), Labcorp
Classification: Likely benign. Last evaluated: 2025-06-18. Review status: criteria provided, single submitter. Criteria: Invitae Variant Classification Sherloc (09022015). Collection method: clinical testing. Allele origin: germline.

Women's Health and Genetics/Laboratory Corporation of America, LabCorp
Classification: Uncertain significance. Last evaluated: 2020-05-06. Review status: criteria provided, single submitter. Criteria: LabCorp Variant Classification Summary - May 2015. Collection method: clinical testing. Allele origin: germline.
Comment: Variant summary: LZTR1 c.1616-11C>G alters a non-conserved nucleotide located close to a canonical splice site and therefore could affect mRNA splicing, leading to a significantly altered protein sequence. 4/4 computational tools predict no significant impact on normal splicing. However, these predictions have yet to be confirmed by functional studies. The variant allele was found at a frequency of 8.1e-06 in 246206 control chromosomes (gnomAD). The available data on variant occurrences in the general population are insufficient to allow any conclusion about variant significance. To our knowledge, no occurrence of c.1616-11C>G in individuals affected with Noonan Syndrome And Related Conditions and no experimental evidence demonstrating its impact on protein function have been reported. No clinical diagnostic laboratories have submitted clinical-significance assessments for this variant to ClinVar after 2014. Based on the evidence outlined above, the variant was classified as uncertain significance.